The following is an entry in ClinVar:

NM_001110556.2(FLNA):c.-21C>G

Gene: FLNA (filamin A; minus strand). Cytogenetic location: Xq28.
Variant type: single nucleotide variant.
Coding change: c.-21C>G on transcript NM_001110556.2 (MANE Select); 21 bases upstream of the start codon, C replaced by G.
Molecular consequence: 5 prime UTR variant.
Genome position (GRCh38, 1-based): chrX:154,371,266, G>C on the plus strand (C>G on the coding strand, the complement: FLNA is on the minus strand). VCF-style: chrX-154371266-G-C. GRCh37 (hg19) VCF-style: chrX-153599634-G-C.
Other names: c.-21C>G (NM_001456.4).
Identifiers: ClinVar variation 377879 (VCV000377879.1), dbSNP rs782455612, ClinGen allele CA10561484.

ClinVar aggregate classification (germline): Benign (1 of 4 stars; one submission).

Allele frequency attached by ClinVar (database versions not stated): TOPMed 0.00002; gnomAD 0.00004 and 0.00006.
gnomAD v4.1: 163 of 1,196,769 alleles (0.014%); highest among the groups gnomAD compares: South Asian, 0.2%; 1 homozygote.

Submission:

GeneDx
Classification: Benign. Last evaluated: 2015-09-08. Review status: criteria provided, single submitter. Criteria: GeneDx Variant Classification (06012015). Collection method: clinical testing. Allele origin: germline. Affected: yes.
Comment: This variant is considered likely benign or benign based on one or more of the following criteria: it is a conservative change, it occurs at a poorly conserved position in the protein, it is predicted to be benign by multiple in silico algorithms, and/or has population frequency not consistent with disease.